The following is an entry in ClinVar:

NM_000426.4(LAMA2):c.7750-2A>G

Gene: LAMA2 (laminin subunit alpha 2; plus strand). Cytogenetic location: 6q22.33.
Variant type: single nucleotide variant.
Coding change: c.7750-2A>G on transcript NM_000426.4 (MANE Select); the canonical splice acceptor site of the intron before coding-DNA position 7750, A replaced by G.
Molecular consequence: splice acceptor variant.
Genome position (GRCh38, 1-based): chr6:129,486,472, A>G. VCF-style: chr6-129486472-A-G. GRCh37 (hg19) VCF-style: chr6-129807617-A-G.
Other names: c.7738-2A>G (NM_001079823.2).
Identifiers: ClinVar variation 689499 (VCV000689499.4), dbSNP rs778539477, ClinGen allele CA3994662.

ClinVar aggregate classification (germline): Likely pathogenic. Review status: criteria provided, single submitter (1 of 4 stars). 2 submissions from 2 submitters: Likely pathogenic (1). 1 of the submissions does not count toward it. Last evaluated 2023-05-12.

Conditions:
Muscular dystrophy, limb-girdle, autosomal recessive 23. Identifiers: Orphanet 565837, MedGen C4748327, MONDO:0029136, OMIM 618138.
Merosin deficient congenital muscular dystrophy (MDC1A). Also called: Congenital Muscular Dystrophy Type 1A (MDC1A); Congenital merosin-deficient muscular dystrophy 1A. Identifiers: Orphanet 258, MedGen C1263858, MONDO:0011925, OMIM 607855.

Allele frequency attached by ClinVar (database versions not stated): gnomAD exomes below 0.00001; ExAC 0.00001.
gnomAD v4.1: 1 of 1,613,222 alleles (0.000062%); highest among the groups gnomAD compares: Non-Finnish European, 0.000085%; no homozygotes.

Submissions (2):

Baylor Genetics
Classification: Likely pathogenic for Merosin deficient congenital muscular dystrophy. Last evaluated: 2023-05-12. Review status: criteria provided, single submitter. Criteria: ACMG Guidelines, 2015. Collection method: clinical testing. Allele origin: unknown.

Institute of Human Genetics, University of Goettingen
Classification: Likely pathogenic for Muscular dystrophy, limb-girdle, autosomal recessive 23. Last evaluated: 2019-05-27. Review status: no assertion criteria provided. Collection method: clinical testing. Allele origin: germline. Inheritance: Autosomal recessive inheritance. Affected: yes. Observed: 1 heterozygote. Not counted in ClinVar's aggregate classification.
Comment: Muscular dystrophy, limb-girdle, autosomal recessive 23